The following is an entry in ClinVar:

NM_182925.5(FLT4):c.2563G>A (p.Ala855Thr)

Gene: FLT4 (fms related receptor tyrosine kinase 4; minus strand). Cytogenetic location: 5q35.3.
Variant type: single nucleotide variant.
Coding change: c.2563G>A on transcript NM_182925.5 (MANE Select); coding-DNA position 2563, G replaced by A.
Protein change: p.Ala855Thr; replaces alanine 855 with threonine.
Molecular consequence: missense variant.
Genome position (GRCh38, 1-based): chr5:180,619,749, C>T on the plus strand (G>A on the coding strand, the complement: FLT4 is on the minus strand). VCF-style: chr5-180619749-C-T. GRCh37 (hg19) VCF-style: chr5-180046749-C-T.
Other names: c.2563G>A (NM_182925.4); c.2563G>A, p.Ala855Thr (NM_001354989.2, NM_002020.5); short protein forms A855T.
Identifiers: ClinVar variation 16269 (VCV000016269.3), dbSNP rs121909657, ClinGen allele CA257476.
Genomic context (GRCh38, chr5:180,619,749, plus strand): 5'-TGTCACAGCTGCTGCCCTTGTGGATGCCGAAAGCGGAGGCTTCCACCACCTTCCCGAAGG[C>T]GCCGTAGCCGAGCACTCTCCCTGTCGGGGCAGGGGGCCAGTTGCAGGTGAGCTGTACGGG-3'
Protein context (NP_891555.2, residues 845-865): LHLGRVLGYG[Ala855Thr]FGKVVEASAF

ClinVar aggregate classification (germline): Uncertain significance. Review status: criteria provided, multiple submitters, no conflicts (2 of 4 stars). 3 submissions from 3 submitters: Uncertain significance (2). 1 of the submissions does not count toward it. Last evaluated 2023-09-13.

Conditions:
Hereditary lymphedema type I (LMPHM1). Also called: LYMPHATIC MALFORMATION 1; Nonne-Milroy disease; Congenital hereditary lymphedema; Early onset lymphedema; Hereditary lymphedema 1; Primary congenital lymphedema. Identifiers: Orphanet 79452, MedGen C1704423, MONDO:0007919, OMIM 153100.

Allele frequency attached by ClinVar (database versions not stated): ExAC 0.00001; gnomAD exomes 0.00001; gnomAD 0.00009; TOPMed 0.00018; 1000 Genomes Project 0.00020; 1000 Genomes Project 30x 0.00031.
gnomAD v4.1: 25 of 1,612,342 alleles (0.0016%); highest among the groups gnomAD compares: Admixed American, 0.03%; no homozygotes.

Submissions (3):

Women's Health and Genetics/Laboratory Corporation of America, LabCorp
Classification: Uncertain significance. Last evaluated: 2023-09-13. Review status: criteria provided, single submitter. Criteria: LabCorp Variant Classification Summary - May 2015. Collection method: clinical testing. Allele origin: germline.
Comment: Variant summary: FLT4 c.2563G>A (p.Ala855Thr) results in a non-conservative amino acid change located in the protein kinase domain (IPR000719) of the encoded protein sequence. Five of five in-silico tools predict a damaging effect of the variant on protein function. The variant allele was found at a frequency of 8.2e-06 in 243830 control chromosomes (gnomAD). The available data on variant occurrences in the general population are insufficient to allow any conclusion about variant significance. However, parents who were heterozygous for this variant had no clinical signs of lymphoedema indicating variant did not segregate with disease in this family (example: Ghalamkarpour_2009). This report does not provide unequivocal conclusions about association of the variant with FLT4-Related Disorders. One publication reports experimental evidence that phosphorylation of the A855T mutant FLT4/VEGFR3 is weak upon VEGF-C induction. However, this report does not allow convincing conclusions about the variant effect (example: Ghalamkarpour_2009). The following publication has been ascertained in the context of this evaluation (PMID: 19289394). No submitters have cited clinical-significance assessments for this variant to ClinVar after 2014. Based on the evidence outlined above, the variant was classified as uncertain significance.

GeneDx
Classification: Uncertain significance. Last evaluated: 2023-09-01. Review status: criteria provided, single submitter. Criteria: GeneDx Variant Classification Process June 2021. Collection method: clinical testing. Allele origin: germline. Affected: yes.
Comment: Observed in the homozygous state in a patient in published literature with congenital lymphedema whose heterozygous parents were unaffected, and not observed in the homozygous state in controls (Ghalamkarpour et al., 2009); Published functional studies suggest a damaging effect: impaired ligand induced internalization, impaired ERK1/2 activity, and reduced receptor phosphorylation (Ghalamkarpour et al., 2009); In silico analysis supports that this missense variant has a deleterious effect on protein structure/function; This variant is associated with the following publications: (PMID: 10835628, 11114740, 23074044, 19289394)

OMIM
Classification: Pathogenic for LYMPHATIC MALFORMATION 1. Last evaluated: 2009-06-01. Review status: no assertion criteria provided. Collection method: literature only. Allele origin: germline. Not counted in ClinVar's aggregate classification.

Literature cited by the submitters: PubMed 19289394 (cited by Women's Health and Genetics/Laboratory Corporation of America, LabCorp and OMIM).